The following is an entry in ClinVar:

NM_001453.3(FOXC1):c.1310C>T (p.Thr437Ile)

Gene: FOXC1 (forkhead box C1; plus strand). Cytogenetic location: 6p25.3.
Variant type: single nucleotide variant.
Coding change: c.1310C>T on transcript NM_001453.3 (MANE Select); coding-DNA position 1310, C replaced by T.
Protein change: p.Thr437Ile; replaces threonine 437 with isoleucine.
Molecular consequence: missense variant.
Genome position (GRCh38, 1-based): chr6:1,611,755, C>T. VCF-style: chr6-1611755-C-T. GRCh37 (hg19) VCF-style: chr6-1611990-C-T.
Other names: short protein forms T437I.
Identifiers: ClinVar variation 3593376 (VCV003593376.3).

ClinVar aggregate classification (germline): Uncertain significance. Review status: criteria provided, multiple submitters, no conflicts (2 of 4 stars). 2 submissions from 2 submitters: Uncertain significance (2). Last evaluated 2025-06-12.

Conditions:
Axenfeld-Rieger syndrome type 3 (RIEG3). Also called: AXENFELD-RIEGER ANOMALY WITH CARDIAC DEFECTS AND/OR SENSORINEURAL HEARING LOSS. Identifiers: Orphanet 782, MedGen C2678503, MONDO:0011233, OMIM 602482.
Anterior segment dysgenesis 3 (ASGD3). Also called: IRIDOGONIODYSGENESIS ANOMALY, AUTOSOMAL DOMINANT; Glaucoma iridogoniodysplasia, familial. Identifiers: Orphanet 91483, MedGen C5975707, MONDO:0024456, OMIM 601631.

gnomAD v4.1: 1 of 1,471,496 alleles (0.000068%); no homozygotes.

Submissions (2):

Labcorp Genetics (formerly Invitae), Labcorp
Classification: Uncertain significance for Axenfeld-Rieger syndrome type 3. Last evaluated: 2025-06-12. Review status: criteria provided, single submitter. Criteria: Invitae Variant Classification Sherloc (09022015). Collection method: clinical testing. Allele origin: germline.
Comment: This sequence change replaces threonine, which is neutral and polar, with isoleucine, which is neutral and non-polar, at codon 437 of the FOXC1 protein (p.Thr437Ile). This variant is not present in population databases (gnomAD no frequency). This variant has not been reported in the literature in individuals affected with FOXC1-related conditions. ClinVar contains an entry for this variant (Variation ID: 3593376). An algorithm developed to predict the effect of missense changes on protein structure and function (PolyPhen-2) suggests that this variant is likely to be disruptive. In summary, the available evidence is currently insufficient to determine the role of this variant in disease. Therefore, it has been classified as a Variant of Uncertain Significance.

Fulgent Genetics
Classification: Uncertain significance for Anterior segment dysgenesis 3; Axenfeld-Rieger syndrome type 3. Last evaluated: 2024-06-10. Review status: criteria provided, single submitter. Criteria: ACMG Guidelines, 2015. Collection method: clinical testing. Allele origin: germline.